The following is an entry in ClinVar:

ClinVar aggregate classification (germline): Uncertain significance. Review status: criteria provided, multiple submitters, no conflicts (2 of 4 stars). 5 submissions from 5 submitters: Uncertain significance (5). Last evaluated 2025-04-09.

Conditions:
Majeed syndrome (MJDS). Also called: LPIN2-Related Majeed Syndrome; CHRONIC RECURRENT MULTIFOCAL OSTEOMYELITIS 1, WITH CONGENITAL DYSERYTHROPOIETIC ANEMIA, WITH OR WITHOUT NEUTROPHILIC DERMATOSIS. Identifiers: Orphanet 77297, MedGen C1864997, MONDO:0012316, OMIM 609628.
Inborn genetic diseases. Identifiers: MedGen C0950123, MeSH D030342.

Allele frequency attached by ClinVar (database versions not stated): gnomAD exomes 0.00002; TOPMed 0.00002; gnomAD 0.00001 and 0.00003; ExAC 0.00002.
gnomAD v4.1: 27 of 1,613,842 alleles (0.0017%); highest among the groups gnomAD compares: South Asian, 0.021%; no homozygotes.

Submissions (5):

Department of Human Genetics, Hannover Medical School
Classification: Uncertain significance for Majeed syndrome. Last evaluated: 2025-04-09. Review status: criteria provided, single submitter. Criteria: ACMG Guidelines, 2015. Collection method: clinical testing. Allele origin: germline. Affected: yes.
Comment: ACMG: BP4

Dasa
Classification: Uncertain significance for Majeed syndrome. Last evaluated: 2025-01-28. Review status: criteria provided, single submitter. Criteria: DASA Assertion Criteria. Collection method: clinical testing. Allele origin: germline.
Comment: NM_001375808.2(LPIN2):c.755C>T (p.Ala252Val) is a missense variant that results in the substitution of alanine with valine. This variant is rare in population databases. Computational prediction algorithms are consistent with a benign effect. The currently available literature and clinical evidence are not sufficient to establish a definitive association between this variant and the reported condition. Therefore, this variant is classified as a variant of uncertain significance.

Labcorp Genetics (formerly Invitae), Labcorp
Classification: Uncertain significance for Majeed syndrome. Last evaluated: 2024-10-01. Review status: criteria provided, single submitter. Criteria: Invitae Variant Classification Sherloc (09022015). Collection method: clinical testing. Allele origin: germline.
Comment: This sequence change replaces alanine, which is neutral and non-polar, with valine, which is neutral and non-polar, at codon 252 of the LPIN2 protein (p.Ala252Val). This variant is present in population databases (rs774296727, gnomAD 0.01%). This variant has not been reported in the literature in individuals affected with LPIN2-related conditions. ClinVar contains an entry for this variant (Variation ID: 659936). Invitae Evidence Modeling of protein sequence and biophysical properties (such as structural, functional, and spatial information, amino acid conservation, physicochemical variation, residue mobility, and thermodynamic stability) indicates that this missense variant is not expected to disrupt LPIN2 protein function with a negative predictive value of 80%. In summary, the available evidence is currently insufficient to determine the role of this variant in disease. Therefore, it has been classified as a Variant of Uncertain Significance.

Ambry Genetics
Classification: Uncertain significance for Inborn genetic diseases. Last evaluated: 2022-04-12. Review status: criteria provided, single submitter. Criteria: Ambry Variant Classification Scheme 2023. Collection method: clinical testing. Allele origin: germline.

Revvity Omics, Revvity
Classification: Uncertain significance for Majeed syndrome. Last evaluated: 2021-04-30. Review status: criteria provided, single submitter. Criteria: ACMG Guidelines, 2015. Collection method: clinical testing. Allele origin: germline.

NM_001375808.2(LPIN2):c.755C>T (p.Ala252Val)

Gene: LPIN2 (lipin 2; minus strand). Cytogenetic location: 18p11.31.
Variant type: single nucleotide variant.
Coding change: c.755C>T on transcript NM_001375808.2 (MANE Select); coding-DNA position 755, C replaced by T.
Protein change: p.Ala252Val; replaces alanine 252 with valine.
Molecular consequence: missense variant.
Genome position (GRCh38, 1-based): chr18:2,939,547, G>A on the plus strand (C>T on the coding strand, the complement: LPIN2 is on the minus strand). VCF-style: chr18-2939547-G-A. GRCh37 (hg19) VCF-style: chr18-2939545-G-A.
Other names: c.755C>T, p.Ala252Val (NM_001375809.1, NM_014646.2); short protein forms A252V.
Identifiers: ClinVar variation 659936 (VCV000659936.13), dbSNP rs774296727, ClinGen allele CA8873299.